The following is an entry in ClinVar:

NM_017514.5(PLXNA3):c.4594+5G>A

Gene: PLXNA3 (plexin A3; plus strand). Cytogenetic location: Xq28.
Variant type: single nucleotide variant.
Coding change: c.4594+5G>A on transcript NM_017514.5 (MANE Select); 5 bases into the intron after coding-DNA position 4594, G replaced by A.
Molecular consequence: intron variant.
Genome position (GRCh38, 1-based): chrX:154,469,220, G>A. VCF-style: chrX-154469220-G-A. GRCh37 (hg19) VCF-style: chrX-153697563-G-A.
Identifiers: ClinVar variation 4983605 (VCV004983605.1).

ClinVar aggregate classification (germline): Likely benign (1 of 4 stars; one submission).

Conditions:
PLXNA3-related disorder. Also called: PLXNA3-related condition.

gnomAD v4.1: 3 of 1,206,205 alleles (0.00025%); highest among the groups gnomAD compares: African/African-American, 0.0052%; no homozygotes.

Submission:

PreventionGenetics, part of Exact Sciences
Classification: Likely benign for PLXNA3-related condition. Last evaluated: 2025-10-16. Review status: criteria provided, single submitter. Criteria: ACMG Guidelines, 2015. Collection method: clinical testing. Allele origin: germline.
Comment: This variant is classified as likely benign based on ACMG/AMP sequence variant interpretation guidelines (Richards et al. 2015 PMID: 25741868, with internal and published modifications).